The following is an entry in ClinVar:

NM_002506.3(NGF):c.154C>T (p.Arg52Cys)

Genes: NGF (nerve growth factor; minus strand), NGF-AS1 (NGF antisense RNA 1; plus strand). Cytogenetic location: 1p13.2.
Variant type: single nucleotide variant.
Coding change: c.154C>T on transcript NM_002506.3 (MANE Select); coding-DNA position 154, C replaced by T.
Protein change: p.Arg52Cys; replaces arginine 52 with cysteine.
Molecular consequence: missense variant.
Genome position (GRCh38, 1-based): chr1:115,286,642, G>A on the plus strand (C>T on the coding strand, the complement: NGF is on the minus strand). VCF-style: chr1-115286642-G-A. GRCh37 (hg19) VCF-style: chr1-115829263-G-A.
Other names: short protein forms R52C.
Identifiers: ClinVar variation 645117 (VCV000645117.11), dbSNP rs766912679, ClinGen allele CA1023058.

ClinVar aggregate classification (germline): Uncertain significance. Review status: criteria provided, multiple submitters, no conflicts (2 of 4 stars). 4 submissions from 4 submitters: Uncertain significance (4). Last evaluated 2024-03-07.

Conditions:
Inborn genetic diseases. Identifiers: MedGen C0950123, MeSH D030342.
Congenital sensory neuropathy with selective loss of small myelinated fibers (HSAN5). Also called: HSAN Type V. Identifiers: Orphanet 64752, MedGen C0020075, MONDO:0012092, OMIM 608654.

Allele frequency attached by ClinVar (database versions not stated): gnomAD exomes below 0.00001; TOPMed below 0.00001; ExAC 0.00001; gnomAD 0.00001.
gnomAD v4.1: 3 of 1,614,116 alleles (0.00019%); highest among the groups gnomAD compares: Admixed American, 0.0017%; no homozygotes.

Submissions (4):

Ambry Genetics
Classification: Uncertain significance for Inborn genetic diseases. Last evaluated: 2024-03-07. Review status: criteria provided, single submitter. Criteria: Ambry Variant Classification Scheme 2023. Collection method: clinical testing. Allele origin: germline.

Labcorp Genetics (formerly Invitae), Labcorp
Classification: Uncertain significance for Congenital sensory neuropathy with selective loss of small myelinated fibers. Last evaluated: 2024-01-02. Review status: criteria provided, single submitter. Criteria: Invitae Variant Classification Sherloc (09022015). Collection method: clinical testing. Allele origin: germline.
Comment: This sequence change replaces arginine, which is basic and polar, with cysteine, which is neutral and slightly polar, at codon 52 of the NGF protein (p.Arg52Cys). This variant is present in population databases (rs766912679, gnomAD 0.003%). This variant has not been reported in the literature in individuals affected with NGF-related conditions. ClinVar contains an entry for this variant (Variation ID: 645117). Advanced modeling of protein sequence and biophysical properties (such as structural, functional, and spatial information, amino acid conservation, physicochemical variation, residue mobility, and thermodynamic stability) performed at Invitae indicates that this missense variant is not expected to disrupt NGF protein function with a negative predictive value of 80%. In summary, the available evidence is currently insufficient to determine the role of this variant in disease. Therefore, it has been classified as a Variant of Uncertain Significance.

Genome-Nilou Lab
Classification: Uncertain significance for Congenital sensory neuropathy with selective loss of small myelinated fibers. Last evaluated: 2023-04-11. Review status: criteria provided, single submitter. Criteria: ACMG Guidelines, 2015. Collection method: clinical testing. Allele origin: germline. Affected: no.

Baylor Genetics
Classification: Uncertain significance for Congenital sensory neuropathy with selective loss of small myelinated fibers. Last evaluated: 2018-04-11. Review status: criteria provided, single submitter. Criteria: ACMG Guidelines, 2015. Collection method: clinical testing. Allele origin: paternal. Affected: yes.
Comment: This variant was determined to be of uncertain significance according to ACMG Guidelines, 2015 [PMID:25741868].